The following is an entry in ClinVar:

NM_001291303.3(FAT4):c.5093G>A (p.Arg1698Gln)

Gene: FAT4 (FAT atypical cadherin 4; plus strand). Cytogenetic location: 4q28.1.
Variant type: single nucleotide variant.
Coding change: c.5093G>A on transcript NM_001291303.3 (MANE Select); coding-DNA position 5093, G replaced by A.
Protein change: p.Arg1698Gln; replaces arginine 1698 with glutamine.
Molecular consequence: missense variant.
Genome position (GRCh38, 1-based): chr4:125,321,504, G>A. VCF-style: chr4-125321504-G-A. GRCh37 (hg19) VCF-style: chr4-126242659-G-A.
Other names: c.5093G>A, p.Arg1698Gln (NM_001291285.3, NM_024582.6); short protein forms R1698Q.
Identifiers: ClinVar variation 1406401 (VCV001406401.9), dbSNP rs777384285, ClinGen allele CA3072577.

ClinVar aggregate classification (germline): Uncertain significance (1 of 4 stars; one submission).

Allele frequency attached by ClinVar (database versions not stated): gnomAD 0.00001; TOPMed 0.00001; ExAC 0.00002; gnomAD exomes 0.00002.
gnomAD v4.1: 19 of 1,613,932 alleles (0.0012%); highest among the groups gnomAD compares: Middle Eastern, 0.016%; no homozygotes.

Submission:

Labcorp Genetics (formerly Invitae), Labcorp
Classification: Uncertain significance. Last evaluated: 2022-07-12. Review status: criteria provided, single submitter. Criteria: Invitae Variant Classification Sherloc (09022015). Collection method: clinical testing. Allele origin: germline.
Comment: In summary, the available evidence is currently insufficient to determine the role of this variant in disease. Therefore, it has been classified as a Variant of Uncertain Significance. Algorithms developed to predict the effect of sequence changes on RNA splicing suggest that this variant may create or strengthen a splice site. Advanced modeling of protein sequence and biophysical properties (such as structural, functional, and spatial information, amino acid conservation, physicochemical variation, residue mobility, and thermodynamic stability) performed at Invitae indicates that this missense variant is not expected to disrupt FAT4 protein function. ClinVar contains an entry for this variant (Variation ID: 1406401). This variant has not been reported in the literature in individuals affected with FAT4-related conditions. This variant is present in population databases (rs777384285, gnomAD 0.01%). This sequence change replaces arginine, which is basic and polar, with glutamine, which is neutral and polar, at codon 1698 of the FAT4 protein (p.Arg1698Gln).